The following is an entry in ClinVar:

NM_005219.5(DIAPH1):c.649A>C (p.Ile217Leu)

Gene: DIAPH1 (diaphanous related formin 1; minus strand). Cytogenetic location: 5q31.3.
Variant type: single nucleotide variant.
Coding change: c.649A>C on transcript NM_005219.5 (MANE Select); coding-DNA position 649, A replaced by C.
Protein change: p.Ile217Leu; replaces isoleucine 217 with leucine.
Molecular consequence: missense variant.
Genome position (GRCh38, 1-based): chr5:141,582,347, T>G on the plus strand (A>C on the coding strand, the complement: DIAPH1 is on the minus strand). VCF-style: chr5-141582347-T-G. GRCh37 (hg19) VCF-style: chr5-140961914-T-G.
Other names: c.622A>C, p.Ile208Leu (NM_001079812.3); c.649A>C, p.Ile217Leu (NM_001314007.2); short protein forms I217L, I208L.
Identifiers: ClinVar variation 4787827 (VCV004787827.1).

ClinVar aggregate classification (germline): Uncertain significance (1 of 4 stars; one submission).

Conditions:
Autosomal dominant nonsyndromic hearing loss 1. Also called: KONIGSMARK SYNDROME; DEAFNESS, AUTOSOMAL DOMINANT 1, WITH OR WITHOUT THROMBOCYTOPENIA. Identifiers: Orphanet 90635, MedGen C1852282, MONDO:0007424, OMIM 124900.
Progressive microcephaly-seizures-cortical blindness-developmental delay syndrome. Also called: Seizures, cortical blindness, and microcephaly syndrome. Identifiers: Orphanet 477814, MedGen C5567650, MONDO:0014714, OMIM 616632.

gnomAD v4.1: 1 of 1,613,988 alleles (0.000062%); highest among the groups gnomAD compares: Non-Finnish European, 0.000085%; no homozygotes.

Submission:

Labcorp Genetics (formerly Invitae), Labcorp
Classification: Uncertain significance for Progressive microcephaly-seizures-cortical blindness-developmental delay syndrome; Autosomal dominant nonsyndromic hearing loss 1. Last evaluated: 2025-04-17. Review status: criteria provided, single submitter. Criteria: Invitae Variant Classification Sherloc (09022015). Collection method: clinical testing. Allele origin: germline.
Comment: This sequence change replaces isoleucine, which is neutral and non-polar, with leucine, which is neutral and non-polar, at codon 217 of the DIAPH1 protein (p.Ile217Leu). This variant is not present in population databases (gnomAD no frequency). This variant has not been reported in the literature in individuals affected with DIAPH1-related conditions. Experimental studies and prediction algorithms are not available or were not evaluated, and the functional significance of this variant is currently unknown. In summary, the available evidence is currently insufficient to determine the role of this variant in disease. Therefore, it has been classified as a Variant of Uncertain Significance.